The following is an entry in ClinVar:

ClinVar aggregate classification (germline): Conflicting classifications of pathogenicity. Review status: criteria provided, conflicting classifications (1 of 4 stars). 3 submissions from 3 submitters: Likely pathogenic (1); Uncertain significance (1). 1 of the submissions does not count toward it. Last evaluated 2024-03-01.

Conditions:
Biotinidase deficiency. Also called: Biotin deficiency; BTD deficiency; Late-onset biotin-responsive multiple carboxylase deficiency. Identifiers: Orphanet 79241, MedGen C0220754, MONDO:0009665, OMIM 253260.

Submissions (3):

CeGaT Center for Human Genetics Tuebingen
Classification: Uncertain significance. Last evaluated: 2024-03-01. Review status: criteria provided, single submitter. Criteria: CeGaT Center For Human Genetics Tuebingen Variant Classification Criteria Version 2. Collection method: clinical testing. Allele origin: germline. Affected: yes. Observed: 1 variant allele.
Comment: BTD: PM2, PM5, PM3:Supporting

Quest Diagnostics Nichols Institute San Juan Capistrano
Classification: Likely pathogenic. Last evaluated: 2019-04-30. Review status: criteria provided, single submitter. Criteria: Quest Diagnostics criteria. Collection method: clinical testing. Allele origin: germline.
Comment: Not found in the total gnomAD dataset, and the data are high quality. Found in at least one symptomatic patient. Predicted to have a damaging effect on the protein. Assessment of experimental evidence suggests this variant results in abnormal protein function.

Molecular Genetics Diagnostic Laboratory, Detroit Medical Center University Laboratories
Classification: Pathogenic for Biotinidase deficiency. Review status: no assertion criteria provided. Collection method: clinical testing. Allele origin: germline. Affected: yes. Observed: 2 variant alleles. Not counted in ClinVar's aggregate classification.

Literature cited by the submitters: PubMed 24797656 (cited by Quest Diagnostics Nichols Institute San Juan Capistrano and Molecular Genetics Diagnostic Laboratory, Detroit Medical Center University Laboratories).

NM_001370658.1(BTD):c.395C>G (p.Thr132Arg)

Gene: BTD (biotinidase; plus strand). Cytogenetic location: 3p25.1.
Variant type: single nucleotide variant.
Coding change: c.395C>G on transcript NM_001370658.1 (MANE Select); coding-DNA position 395, C replaced by G.
Protein change: p.Thr132Arg; replaces threonine 132 with arginine.
Molecular consequence: missense variant.
Genome position (GRCh38, 1-based): chr3:15,642,053, C>G. VCF-style: chr3-15642053-C-G. GRCh37 (hg19) VCF-style: chr3-15683560-C-G.
Other names: c.395C>G, p.Thr132Arg (NM_001281726.3, NM_001323582.2, NM_001370752.1 and 36 more transcripts); c.458C>G, p.Thr153Arg (NM_001407381.1); c.455C>G, p.Thr152Arg (NM_000060.4); short protein forms T132R, T153R.
Identifiers: ClinVar variation 156001 (VCV000156001.27), dbSNP rs587783003, ClinGen allele CA278435.